The following is an entry in ClinVar:

ClinVar aggregate classification (germline): Likely pathogenic (1 of 4 stars; one submission).

Submission:

Labcorp Genetics (formerly Invitae), Labcorp
Classification: Likely pathogenic. Last evaluated: 2024-11-27. Review status: criteria provided, single submitter. Criteria: Invitae Variant Classification Sherloc (09022015). Collection method: clinical testing. Allele origin: germline.
Comment: This sequence change replaces arginine, which is basic and polar, with proline, which is neutral and non-polar, at codon 2152 of the NSD1 protein (p.Arg2152Pro). This variant is not present in population databases (gnomAD no frequency). This missense change has been observed in individual(s) with Sotos syndrome (internal data). Invitae Evidence Modeling of protein sequence and biophysical properties (such as structural, functional, and spatial information, amino acid conservation, physicochemical variation, residue mobility, and thermodynamic stability) indicates that this missense variant is expected to disrupt NSD1 protein function with a positive predictive value of 95%. This variant disrupts the p.Arg2152 amino acid residue in NSD1. Other variant(s) that disrupt this residue have been observed in individuals with NSD1-related conditions (PMID: 36421837, 37066965; internal data), which suggests that this may be a clinically significant amino acid residue. In summary, the currently available evidence indicates that the variant is pathogenic, but additional data are needed to prove that conclusively. Therefore, this variant has been classified as Likely Pathogenic.

Literature cited by the submitters: PubMed 36421837; PubMed 37066965.

NM_022455.5(NSD1):c.6455G>C (p.Arg2152Pro)

Gene: NSD1 (nuclear receptor binding SET domain protein 1; plus strand). Cytogenetic location: 5q35.3.
Variant type: single nucleotide variant.
Coding change: c.6455G>C on transcript NM_022455.5 (MANE Select); coding-DNA position 6455, G replaced by C.
Protein change: p.Arg2152Pro; replaces arginine 2152 with proline.
Molecular consequence: missense variant.
Genome position (GRCh38, 1-based): chr5:177,292,150, G>C. VCF-style: chr5-177292150-G-C. GRCh37 (hg19) VCF-style: chr5-176719151-G-C.
Other names: c.5333G>C, p.Arg1778Pro (NM_001409309.1); c.6455G>C, p.Arg2152Pro (NM_001409302.1, NM_001409303.1, NM_001409301.1); c.6035G>C, p.Arg2012Pro (NM_001409304.1); c.5582G>C, p.Arg1861Pro (NM_001365684.2, NM_001409308.1, NM_172349.5); c.5702G>C, p.Arg1901Pro (NM_001409305.1); c.5693G>C, p.Arg1898Pro (NM_001409306.1, NM_001409307.1); short protein forms R2012P, R2152P, R1778P, R1861P, R1898P, R1901P.
Identifiers: ClinVar variation 3719716 (VCV003719716.2).
Genomic context (GRCh38, chr5:177,292,150, plus strand): 5'-CCTGCAAGAAACCAGGCTGCCCAAAAGTTTACCACGCAGACTGTCTCAATCTGACCAAGC[G>C]ACCAGCAGGTTGGTGCCAAAATCCATTTGTACCGCTACTCGTTCTCTCCATCATACTCAG-3'
Protein context (NP_071900.2, residues 2142-2162): YHADCLNLTK[Arg2152Pro]PAGKWECPWH